The following is an entry in ClinVar:

ClinVar aggregate classification (germline): Uncertain significance (1 of 4 stars; one submission).

Allele frequency attached by ClinVar (database versions not stated): gnomAD exomes below 0.00001.

Submission:

Labcorp Genetics (formerly Invitae), Labcorp
Classification: Uncertain significance. Last evaluated: 2022-02-08. Review status: criteria provided, single submitter. Criteria: Invitae Variant Classification Sherloc (09022015). Collection method: clinical testing. Allele origin: germline.
Comment: In summary, the available evidence is currently insufficient to determine the role of this variant in disease. Therefore, it has been classified as a Variant of Uncertain Significance. This variant has not been reported in the literature in individuals affected with PLEKHM2-related conditions. This variant is not present in population databases (gnomAD no frequency). This sequence change creates a premature translational stop signal (p.Arg74Leufs*66) in the PLEKHM2 gene. It is expected to result in an absent or disrupted protein product. However, the current clinical and genetic evidence is not sufficient to establish whether loss-of-function variants in PLEKHM2 cause disease.

NM_015164.4(PLEKHM2):c.219_220insCTCTCCGA (p.Arg74fs)

Gene: PLEKHM2 (pleckstrin homology and RUN domain containing M2; plus strand). Cytogenetic location: 1p36.21.
Variant type: Insertion.
Coding change: c.219_220insCTCTCCGA on transcript NM_015164.4 (MANE Select); coding-DNA positions 219 to 220, CTCTCCGA inserted.
Protein change: p.Arg74fs; shifts the reading frame from arginine 74.
Molecular consequence: frameshift variant.
Genome position: GRCh38 VCF-style: chr1-15716758-G-GCTCTCCGA. GRCh37 (hg19) VCF-style: chr1-16043253-G-GCTCTCCGA.
Other names: c.219_220insCTCTCCGA, p.Arg74Leufs (NM_001410755.1); short protein forms R74fs.
Identifiers: ClinVar variation 2094505 (VCV002094505.4), dbSNP rs2522385218, ClinGen allele CA2574227505.